The following is an entry in ClinVar:

NM_001281740.3(FHOD3):c.2024A>G (p.Tyr675Cys)

Gene: FHOD3 (formin homology 2 domain containing 3; plus strand). Cytogenetic location: 18q12.2.
Variant type: single nucleotide variant.
Coding change: c.2024A>G on transcript NM_001281740.3 (MANE Select); coding-DNA position 2024, A replaced by G.
Protein change: p.Tyr675Cys; replaces tyrosine 675 with cysteine.
Molecular consequence: missense variant.
Genome position (GRCh38, 1-based): chr18:36,693,211, A>G. VCF-style: chr18-36693211-A-G. GRCh37 (hg19) VCF-style: chr18-34273174-A-G.
Other names: c.1448A>G, p.Tyr483Cys (NM_001281739.3); c.1499A>G, p.Tyr500Cys (NM_025135.5); short protein forms Y483C, Y500C, Y675C.
Identifiers: ClinVar variation 3895363 (VCV003895363.1).

ClinVar aggregate classification (germline): Uncertain significance (1 of 4 stars; one submission).

Conditions:
Cardiovascular phenotype. Identifiers: MedGen CN230736.

gnomAD v4.1: 1 of 1,612,552 alleles (0.000062%); no homozygotes.

Submission:

Molecular Diagnostic Laboratory for Inherited Cardiovascular Disease, Montreal Heart Institute
Classification: Uncertain significance for Cardiovascular phenotype. Last evaluated: 2025-04-09. Review status: criteria provided, single submitter. Criteria: ACMG Guidelines, 2015. Collection method: clinical testing. Allele origin: germline. Affected: yes.
Comment: PM2, PP3, BP5